The following is an entry in ClinVar:

NM_000540.3(RYR1):c.233A>G (p.Gln78Arg)

Gene: RYR1 (ryanodine receptor 1; plus strand). Cytogenetic location: 19q13.2.
Variant type: single nucleotide variant.
Coding change: c.233A>G on transcript NM_000540.3 (MANE Select); coding-DNA position 233, A replaced by G.
Protein change: p.Gln78Arg; replaces glutamine 78 with arginine.
Molecular consequence: missense variant.
Genome position (GRCh38, 1-based): chr19:38,442,416, A>G. VCF-style: chr19-38442416-A-G. GRCh37 (hg19) VCF-style: chr19-38933056-A-G.
Other names: c.233A>G, p.Gln78Arg (NM_001042723.2); short protein forms Q78R.
Identifiers: ClinVar variation 2706854 (VCV002706854.3), dbSNP rs2513965694, ClinGen allele CA405674232.

ClinVar aggregate classification (germline): Uncertain significance (1 of 4 stars; one submission).

Conditions:
RYR1-related disorder. Also called: RYR1-related condition; RYR1-related disorders. Identifiers: MedGen CN239331.

Submission:

Labcorp Genetics (formerly Invitae), Labcorp
Classification: Uncertain significance for RYR1-related disorder. Last evaluated: 2024-06-03. Review status: criteria provided, single submitter. Criteria: Invitae Variant Classification Sherloc (09022015). Collection method: clinical testing. Allele origin: germline.
Comment: This sequence change replaces glutamine, which is neutral and polar, with arginine, which is basic and polar, at codon 78 of the RYR1 protein (p.Gln78Arg). This variant is not present in population databases (gnomAD no frequency). This variant has not been reported in the literature in individuals affected with RYR1-related conditions. Advanced modeling of protein sequence and biophysical properties (such as structural, functional, and spatial information, amino acid conservation, physicochemical variation, residue mobility, and thermodynamic stability) has been performed at Invitae for this missense variant, however the output from this modeling did not meet the statistical confidence thresholds required to predict the impact of this variant on RYR1 protein function. In summary, the available evidence is currently insufficient to determine the role of this variant in disease. Therefore, it has been classified as a Variant of Uncertain Significance.